The following is an entry in ClinVar:

NM_031935.3(HMCN1):c.15505G>A (p.Gly5169Arg)

Gene: HMCN1 (hemicentin 1; plus strand). Cytogenetic location: 1q31.1.
Variant type: single nucleotide variant.
Coding change: c.15505G>A on transcript NM_031935.3 (MANE Select); coding-DNA position 15505, G replaced by A.
Protein change: p.Gly5169Arg; replaces glycine 5169 with arginine.
Molecular consequence: missense variant.
Genome position (GRCh38, 1-based): chr1:186,166,873, G>A. VCF-style: chr1-186166873-G-A. GRCh37 (hg19) VCF-style: chr1-186136005-G-A.
Other names: short protein forms G5169R.
Identifiers: ClinVar variation 1958624 (VCV001958624.5), dbSNP rs750614060, ClinGen allele CA343930319.

ClinVar aggregate classification (germline): Uncertain significance (1 of 4 stars; one submission).

gnomAD v4.1: 14 of 1,614,126 alleles (0.00087%); highest among the groups gnomAD compares: South Asian, 0.0011%; no homozygotes.

Submission:

Labcorp Genetics (formerly Invitae), Labcorp
Classification: Uncertain significance. Last evaluated: 2022-03-27. Review status: criteria provided, single submitter. Criteria: Invitae Variant Classification Sherloc (09022015). Collection method: clinical testing. Allele origin: germline.
Comment: Algorithms developed to predict the effect of sequence changes on RNA splicing suggest that this variant may disrupt the consensus splice site. Algorithms developed to predict the effect of missense changes on protein structure and function (SIFT, PolyPhen-2, Align-GVGD) all suggest that this variant is likely to be disruptive. In summary, the available evidence is currently insufficient to determine the role of this variant in disease. Therefore, it has been classified as a Variant of Uncertain Significance. This variant has not been reported in the literature in individuals affected with HMCN1-related conditions. This variant is present in population databases (no rsID available, gnomAD 0.009%). This sequence change replaces glycine, which is neutral and non-polar, with arginine, which is basic and polar, at codon 5169 of the HMCN1 protein (p.Gly5169Arg).